The following is an entry in ClinVar:

NM_000377.3(WAS):c.90C>T (p.His30=)

Gene: WAS (WASP actin nucleation promoting factor; plus strand). Cytogenetic location: Xp11.23.
Variant type: single nucleotide variant.
Coding change: c.90C>T on transcript NM_000377.3 (MANE Select); coding-DNA position 90, C replaced by T.
Protein change: p.His30=; no amino-acid change (histidine 30 retained).
Molecular consequence: synonymous variant.
Genome position (GRCh38, 1-based): chrX:48,683,943, C>T. VCF-style: chrX-48683943-C-T. GRCh37 (hg19) VCF-style: chrX-48542332-C-T.
Identifiers: ClinVar variation 458506 (VCV000458506.21), dbSNP rs148800063, ClinGen allele CA10403838.
Genomic context (GRCh38, chrX:48,683,943, plus strand): 5'-CGGGGGCCGAGGAGCACCAGCGGTTCAGCAGAACATACCCTCCACCCTCCTCCAGGACCA[C>T]GAGAACCAGCGACTCTTTGAGATGCTTGGACGAAAATGCTTGGTGAGCTGGGGATCTCCT-3'
Protein context (NP_000368.1, residues 20-40): QNIPSTLLQD[His30=]ENQRLFEMLG

ClinVar aggregate classification (germline): Benign/Likely benign. Review status: criteria provided, multiple submitters, no conflicts (2 of 4 stars). 7 submissions from 7 submitters: Benign (1); Likely benign (5). 1 of the submissions does not count toward it. Last evaluated 2026-01-28.

Conditions:
WAS-related disorder. Also called: WAS-related condition; WAS-Related Disorders. Identifiers: MedGen CN381538.
X-linked severe congenital neutropenia (SCNX). Identifiers: Orphanet 86788, MedGen C1845987, MONDO:0010294, OMIM 300299.
Wiskott-Aldrich syndrome (WAS). Also called: ALDRICH SYNDROME; IMMUNODEFICIENCY 2; Wiskott-aldrich syndrome, somatic; WISKOTT-ALDRICH SYNDROME 1. Identifiers: Orphanet 906, MedGen C0043194, MONDO:0010518, OMIM 301000.
Thrombocytopenia 1. Also called: X-linked thrombocytopenia with normal platelets; THROMBOCYTOPENIA, X-LINKED, 1; X-Linked Thrombocytopenia (XLT). Identifiers: Orphanet 268322, Orphanet 852, MedGen C1839163, MONDO:0010743, OMIM 313900.

Allele frequency attached by ClinVar (database versions not stated): gnomAD 0.00053 and 0.00060; TOPMed 0.00057; gnomAD exomes 0.00071 and 0.00102; ExAC 0.00095; ESP Exome Variant Server 0.00114.
gnomAD v4.1: 1,171 of 1,209,192 alleles (0.097%); highest among the groups gnomAD compares: Middle Eastern, 0.21%; no homozygotes.

Submissions (7):

Labcorp Genetics (formerly Invitae), Labcorp
Classification: Benign for Wiskott-Aldrich syndrome; X-linked severe congenital neutropenia; Thrombocytopenia 1. Last evaluated: 2026-01-28. Review status: criteria provided, single submitter. Criteria: Invitae Variant Classification Sherloc (09022015). Collection method: clinical testing. Allele origin: germline.

Women's Health and Genetics/Laboratory Corporation of America, LabCorp
Classification: Likely benign. Last evaluated: 2025-07-11. Review status: criteria provided, single submitter. Criteria: LabCorp Variant Classification Summary - May 2015. Collection method: clinical testing. Allele origin: germline.

Laboratory of Genetics, Children's Clinical University Hospital Latvia
Classification: Likely benign. Last evaluated: 2025-02-16. Review status: criteria provided, single submitter. Criteria: ACMG Guidelines, 2015. Collection method: clinical testing. Allele origin: germline. Affected: yes.

Blueprint Genetics
Classification: Likely benign. Last evaluated: 2024-11-27. Review status: criteria provided, single submitter. Criteria: ACMG Guidelines, 2015. Collection method: clinical testing. Allele origin: germline.

Genetic Services Laboratory, University of Chicago
Classification: Likely benign. Last evaluated: 2018-11-26. Review status: criteria provided, single submitter. Criteria: ACMG Guidelines, 2015. Collection method: clinical testing. Allele origin: germline. Affected: no.

Breakthrough Genomics
Classification: Likely benign. Review status: criteria provided, single submitter. Criteria: ACMG Guidelines, 2015. Collection method: not provided. Allele origin: germline. Inheritance: X-linked inheritance. Affected: yes.

PreventionGenetics, part of Exact Sciences
Classification: Likely benign for WAS-related condition. Last evaluated: 2020-05-20. Review status: no assertion criteria provided. Collection method: clinical testing. Allele origin: germline. Not counted in ClinVar's aggregate classification.
Comment: This variant is classified as likely benign based on ACMG/AMP sequence variant interpretation guidelines (Richards et al. 2015 PMID: 25741868, with internal and published modifications).